The following is an entry in ClinVar:

ClinVar aggregate classification (germline): Uncertain significance (1 of 4 stars; one submission).

gnomAD v4.1: 3 of 1,614,038 alleles (0.00019%); highest among the groups gnomAD compares: Non-Finnish European, 0.00017%; no homozygotes.

Submission:

GeneDx
Classification: Uncertain significance. Last evaluated: 2024-04-09. Review status: criteria provided, single submitter. Criteria: GeneDx Variant Classification Process June 2021. Collection method: clinical testing. Allele origin: germline. Affected: yes.
Comment: Not observed at significant frequency in large population cohorts (gnomAD); In silico analysis indicates that this missense variant does not alter protein structure/function; Has not been previously published as pathogenic or benign to our knowledge

NM_001386298.1(CIC):c.4223T>G (p.Ile1408Ser)

Gene: CIC (capicua transcriptional repressor; plus strand). Cytogenetic location: 19q13.2.
Variant type: single nucleotide variant.
Coding change: c.4223T>G on transcript NM_001386298.1 (MANE Select); coding-DNA position 4223, T replaced by G.
Protein change: p.Ile1408Ser; replaces isoleucine 1408 with serine.
Molecular consequence: missense variant.
Genome position (GRCh38, 1-based): chr19:42,290,264, T>G. VCF-style: chr19-42290264-T-G. GRCh37 (hg19) VCF-style: chr19-42794416-T-G.
Other names: c.4223T>G, p.Ile1408Ser (NM_001304815.2, NM_001379480.1, NM_001379482.1); c.1496T>G, p.Ile499Ser (NM_001379484.1, NM_001379485.1, NM_015125.5); short protein forms I1408S, I499S.
Identifiers: ClinVar variation 3372336 (VCV003372336.1).